The following is an entry in ClinVar:

NM_001089.3(ABCA3):c.2971C>T (p.Gln991Ter)

Gene: ABCA3 (ATP binding cassette subfamily A member 3; minus strand). Cytogenetic location: 16p13.3.
Variant type: single nucleotide variant.
Coding change: c.2971C>T on transcript NM_001089.3 (MANE Select); coding-DNA position 2971, C replaced by T.
Protein change: p.Gln991Ter; replaces glutamine 991 with a stop codon.
Molecular consequence: nonsense.
Genome position (GRCh38, 1-based): chr16:2,288,059, G>A on the plus strand (C>T on the coding strand, the complement: ABCA3 is on the minus strand). VCF-style: chr16-2288059-G-A. GRCh37 (hg19) VCF-style: chr16-2338060-G-A.
Other names: short protein forms Q991*.
Identifiers: ClinVar variation 5013910 (VCV005013910.1).
Genomic context (GRCh38, chr16:2,288,059, plus strand): 5'-CCGTCCCGCCCCCGGGATGCCCCTTACCGAGCACCTCGCGGGGCTCCTGTCCCTCAGCCT[G>A]CAGTGCGTCTTTCAGATGCTCTGACAGCTGCTGACCCAGCTGGGAGGTCCCGGGAACTGA-3'

ClinVar aggregate classification (germline): Pathogenic (1 of 4 stars; one submission).

Conditions:
Interstitial lung disease due to ABCA3 deficiency. Also called: PULMONARY ALVEOLAR PROTEINOSIS, CONGENITAL, 3. Identifiers: Orphanet 440402, MedGen C1970456, MONDO:0012582, OMIM 610921.

gnomAD v4.1: 1 of 1,611,786 alleles (0.000062%); highest among the groups gnomAD compares: Admixed American, 0.0017%; no homozygotes.

Submission:

Myriad Genetics, Inc.
Classification: Pathogenic for Interstitial lung disease due to ABCA3 deficiency. Last evaluated: 2025-01-03. Review status: criteria provided, single submitter. Criteria: Myriad Autosomal Dominant, Autosomal Recessive and X-Linked Classification Criteria (2023). Collection method: clinical testing. Allele origin: unknown.
Comment: NM_001089.2(ABCA3):c.2971C>T(Q991*) is expected to be pathogenic in the context of surfactant deficiency, ABCA3-related. This variant is predicted to lead to an abnormal or absent protein product due to the creation of a premature termination codon in ABCA3, a gene where loss-of-function variants are known to be pathogenic. Please note: this variant was assessed in the context of healthy population screening.